The following is an entry in ClinVar:

ClinVar aggregate classification (germline): Pathogenic (1 of 4 stars; one submission).

Conditions:
Autosomal recessive axonal neuropathy with neuromyotonia (NMAN). Also called: Gamstorp-Wohlfart syndrome; MYOKYMIA, MYOTONIA, AND MUSCLE WASTING; Neuromyotonia and axonal neuropathy, autosomal recessive. Identifiers: Orphanet 324442, MedGen C5700127, MONDO:0007646, OMIM 137200.

Submission:

Labcorp Genetics (formerly Invitae), Labcorp
Classification: Pathogenic for Autosomal recessive axonal neuropathy with neuromyotonia. Last evaluated: 2022-11-07. Review status: criteria provided, single submitter. Criteria: Invitae Variant Classification Sherloc (09022015). Collection method: clinical testing. Allele origin: germline.
Comment: For these reasons, this variant has been classified as Pathogenic. This variant disrupts a region of the HINT1 protein in which other variant(s) (p.His112Asn) have been determined to be pathogenic (PMID: 16835243, 22961002, 31088288). This suggests that this is a clinically significant region of the protein, and that variants that disrupt it are likely to be disease-causing. ClinVar contains an entry for this variant (Variation ID: 659256). This variant has not been reported in the literature in individuals affected with HINT1-related conditions. This variant is present in population databases (no rsID available, gnomAD 0.0009%). This sequence change results in a frameshift in the HINT1 gene (p.Val111Thrfs*32). While this is not anticipated to result in nonsense mediated decay, it is expected to disrupt the last 16 amino acid(s) of the HINT1 protein and extend the protein by 15 additional amino acid residues.

Literature cited by the submitters: PubMed 16835243; PubMed 22961002; PubMed 31088288.

NM_005340.7(HINT1):c.329_330dup (p.Val111fs)

Gene: HINT1 (histidine triad nucleotide binding protein 1; minus strand). Cytogenetic location: 5q23.3.
Variant type: Duplication.
Coding change: c.329_330dup on transcript NM_005340.7 (MANE Select); coding-DNA positions 329 to 330, 2 bases duplicated (AC; older notation c.329_330dupAC).
Protein change: p.Val111fs; shifts the reading frame from valine 111.
Molecular consequence: frameshift variant. On other transcripts: non-coding transcript variant (5).
Genome position (GRCh38, 1-based): chr5:131,159,498-131,159,499, GT duplicated on the plus strand (AC on the coding strand, the reverse complement: HINT1 is on the minus strand); duplicating any 2 consecutive bases within chr5:131,159,498-131,159,500 gives the same sequence; the c. name uses the placement nearest the transcript's 3' end. VCF-style (leftmost placement, unchanged base first): chr5-131159497-C-CGT. GRCh37 (hg19) VCF-style: chr5-130495190-C-CGT.
Other names: short protein forms V111fs.
Identifiers: ClinVar variation 659256 (VCV000659256.9), dbSNP rs1561535921, ClinGen allele CA562984243.